The following is an entry in ClinVar:

ClinVar aggregate classification (germline): Uncertain significance (1 of 4 stars; one submission).

Conditions:
Neurodevelopmental disorder with nonspecific brain abnormalities and with or without seizures. Identifiers: MedGen C5231470, MONDO:0032877, OMIM 618709.

Submission:

Laboratorio de Genetica e Diagnostico Molecular, Hospital Israelita Albert Einstein
Classification: Uncertain significance for Neurodevelopmental disorder with nonspecific brain abnormalities and with or without seizures. Last evaluated: 2024-05-15. Review status: criteria provided, single submitter. Criteria: ACMG Guidelines, 2015. Collection method: clinical testing. Allele origin: germline. Affected: yes.
Comment: ACMG classification criteria: PM2 supporting, PP3 supporting

NM_005618.4(DLL1):c.188G>A (p.Cys63Tyr)

Gene: DLL1 (delta like canonical Notch ligand 1; minus strand). Cytogenetic location: 6q27.
Variant type: single nucleotide variant.
Coding change: c.188G>A on transcript NM_005618.4 (MANE Select); coding-DNA position 188, G replaced by A.
Protein change: p.Cys63Tyr; replaces cysteine 63 with tyrosine.
Molecular consequence: missense variant.
Genome position (GRCh38, 1-based): chr6:170,289,675, C>T on the plus strand (G>A on the coding strand, the complement: DLL1 is on the minus strand). VCF-style: chr6-170289675-C-T. GRCh37 (hg19) VCF-style: chr6-170598763-C-T.
Other names: short protein forms C63Y.
Identifiers: ClinVar variation 3901957 (VCV003901957.1).
Genomic context (GRCh38, chr6:170,289,675, plus strand): 5'-ACGGCGCTGCCGTAGGTGCAGGGCGGCTCGGGGGACACGCTGGCCTGGTAGTGCTTGAGG[C>T]ACACGCGGAAGAAGGTCCGGCAGGCGCACGGCGGTGGCCCCGCGCCCCCGCGGCAGCAGT-3'
Protein context (NP_005609.3, residues 53-73): PCACRTFFRV[Cys63Tyr]LKHYQASVSP